The following is an entry in ClinVar:

NM_001852.4(COL9A2):c.472-15C>T

Gene: COL9A2 (collagen type IX alpha 2 chain; minus strand). Cytogenetic location: 1p34.2.
Variant type: single nucleotide variant.
Coding change: c.472-15C>T on transcript NM_001852.4 (MANE Select); 15 bases into the intron before coding-DNA position 472, C replaced by T.
Molecular consequence: intron variant.
Genome position (GRCh38, 1-based): chr1:40,311,562, G>A on the plus strand (C>T on the coding strand, the complement: COL9A2 is on the minus strand). VCF-style: chr1-40311562-G-A. GRCh37 (hg19) VCF-style: chr1-40777234-G-A.
Identifiers: ClinVar variation 668361 (VCV000668361.6), dbSNP rs774659154, ClinGen allele CA791908.

ClinVar aggregate classification (germline): Likely benign. Review status: criteria provided, multiple submitters, no conflicts (2 of 4 stars). 3 submissions from 3 submitters: Likely benign (3). Last evaluated 2025-02-17.

Allele frequency attached by ClinVar (database versions not stated): gnomAD 0.00001; gnomAD exomes 0.00001 and 0.00002; ExAC 0.00002; TOPMed 0.00002.

Submissions (3):

Labcorp Genetics (formerly Invitae), Labcorp
Classification: Likely benign. Last evaluated: 2025-02-17. Review status: criteria provided, single submitter. Criteria: Invitae Variant Classification Sherloc (09022015). Collection method: clinical testing. Allele origin: germline.

Blueprint Genetics
Classification: Likely benign. Last evaluated: 2022-05-04. Review status: criteria provided, single submitter. Criteria: ACMG Guidelines, 2015. Collection method: clinical testing. Allele origin: germline.

GeneDx
Classification: Likely benign. Last evaluated: 2018-05-15. Review status: criteria provided, single submitter. Criteria: GeneDx Variant Classification (06012015). Collection method: clinical testing. Allele origin: germline. Affected: yes.
Comment: This variant is considered likely benign or benign based on one or more of the following criteria: it is a conservative change, it occurs at a poorly conserved position in the protein, it is predicted to be benign by multiple in silico algorithms, and/or has population frequency not consistent with disease.